The following is an entry in ClinVar:

ClinVar aggregate classification (germline): Uncertain significance (1 of 4 stars; one submission).

Submission:

Ambry Genetics
Classification: Uncertain significance. Last evaluated: 2022-11-17. Review status: criteria provided, single submitter. Criteria: Ambry Variant Classification Scheme 2023. Collection method: clinical testing. Allele origin: germline.
Comment: The p.L168P variant (also known as c.503T>C), located in coding exon 1 of the PALLD gene, results from a T to C substitution at nucleotide position 503. The leucine at codon 168 is replaced by proline, an amino acid with similar properties. This amino acid position is conserved. In addition, the in silico prediction for this alteration is inconclusive. Since supporting evidence is limited at this time, the clinical significance of this alteration remains unclear.

NM_001166108.2(PALLD):c.503T>C (p.Leu168Pro)

Gene: PALLD (palladin, cytoskeletal associated protein; plus strand). Cytogenetic location: 4q32.3.
Variant type: single nucleotide variant.
Coding change: c.503T>C on transcript NM_001166108.2 (MANE Select); coding-DNA position 503, T replaced by C.
Protein change: p.Leu168Pro; replaces leucine 168 with proline.
Molecular consequence: missense variant.
Genome position (GRCh38, 1-based): chr4:168,512,007, T>C. VCF-style: chr4-168512007-T-C. GRCh37 (hg19) VCF-style: chr4-169433158-T-C.
Other names: c.503T>C, p.Leu168Pro (NM_016081.4); short protein forms L168P.
Identifiers: ClinVar variation 2448452 (VCV002448452.2), dbSNP rs2531433369, ClinGen allele CA358726166.